The following is an entry in ClinVar:

ClinVar aggregate classification (germline): Uncertain significance (1 of 4 stars; one submission).

gnomAD v4.1: 13 of 1,613,978 alleles (0.00081%); highest among the groups gnomAD compares: Admixed American, 0.0017%; no homozygotes.

Submission:

Women's Health and Genetics/Laboratory Corporation of America, LabCorp
Classification: Uncertain significance. Last evaluated: 2025-05-08. Review status: criteria provided, single submitter. Criteria: LabCorp Variant Classification Summary - May 2015. Collection method: clinical testing. Allele origin: germline.
Comment: Variant summary: DHTKD1 c.470C>T (p.Thr157Met) results in a non-conservative amino acid change in the encoded protein sequence. Algorithms developed to predict the effect of missense changes on protein structure and function are either unavailable or do not agree on the potential impact of this missense change. The variant allele was found at a frequency of 4e-06 in 251486 control chromosomes. The available data on variant occurrences in the general population are insufficient to allow any conclusion about variant significance. To our knowledge, no occurrence of c.470C>T in individuals affected with 2-aminoadipic 2-oxoadipic aciduria and no experimental evidence demonstrating its impact on protein function have been reported. No submitters have cited clinical-significance assessments for this variant to ClinVar. Based on the evidence outlined above, the variant was classified as uncertain significance.

NM_018706.7(DHTKD1):c.470C>T (p.Thr157Met)

Gene: DHTKD1 (dehydrogenase E1 and transketolase domain containing 1; plus strand). Cytogenetic location: 10p14.
Variant type: single nucleotide variant.
Coding change: c.470C>T on transcript NM_018706.7 (MANE Select); coding-DNA position 470, C replaced by T.
Protein change: p.Thr157Met; replaces threonine 157 with methionine.
Molecular consequence: missense variant.
Genome position (GRCh38, 1-based): chr10:12,084,699, C>T. VCF-style: chr10-12084699-C-T. GRCh37 (hg19) VCF-style: chr10-12126698-C-T.
Other names: short protein forms T157M.
Identifiers: ClinVar variation 3902387 (VCV003902387.1).